The following is an entry in ClinVar:

NM_001206744.2(TPO):c.2017G>A (p.Glu673Lys)

Genes: LALTOP (lung cancer associated lncRNA targeting TOP2A; minus strand), TPO (thyroid peroxidase; plus strand). Cytogenetic location: 2p25.3.
Variant type: single nucleotide variant.
Coding change: c.2017G>A on transcript NM_001206744.2 (MANE Select); coding-DNA position 2017, G replaced by A.
Protein change: p.Glu673Lys; replaces glutamic acid 673 with lysine.
Molecular consequence: missense variant.
Genome position (GRCh38, 1-based): chr2:1,495,999, G>A. VCF-style: chr2-1495999-G-A. GRCh37 (hg19) VCF-style: chr2-1499771-G-A.
Other names: c.2017G>A, p.Glu673Lys (NM_000547.6, NM_175721.3); c.1846G>A, p.Glu616Lys (NM_001206745.2, NM_175719.4); c.1498G>A, p.Glu500Lys (NM_175722.3); short protein forms E500K, E616K, E673K.
Identifiers: ClinVar variation 3629673 (VCV003629673.2).

ClinVar aggregate classification (germline): Uncertain significance. Review status: criteria provided, multiple submitters, no conflicts (2 of 4 stars). 2 submissions from 2 submitters: Uncertain significance (2). Last evaluated 2024-11-13.

Conditions:
Deficiency of iodide peroxidase (TDH2A). Also called: HYPOTHYROIDISM, CONGENITAL, DUE TO DYSHORMONOGENESIS, 2A; IODIDE PEROXIDASE DEFICIENCY; THYROID HORMONOGENESIS, GENETIC DEFECT IN, 2A; THYROID PEROXIDASE DEFICIENCY; Thyroid dyshormonogenesis 2A. Identifiers: Orphanet 95716, MedGen C1291299, MONDO:0010133, OMIM 274500.

gnomAD v4.1: 108 of 1,612,596 alleles (0.0067%); highest among the groups gnomAD compares: East Asian, 0.062%; no homozygotes.

Submissions (2):

Women's Health and Genetics/Laboratory Corporation of America, LabCorp
Classification: Uncertain significance. Last evaluated: 2024-11-13. Review status: criteria provided, single submitter. Criteria: LabCorp Variant Classification Summary - May 2015. Collection method: clinical testing. Allele origin: germline.
Comment: Variant summary: TPO c.2017G>A (p.Glu673Lys) results in a conservative amino acid change located in the Haem peroxidase domain superfamily, animal type domain (IPR037120) of the encoded protein sequence. Four of five in-silico tools predict a damaging effect of the variant on protein function. The variant allele was found at a frequency of 9.6e-05 in 250378 control chromosomes. This frequency is not significantly higher than estimated for a pathogenic variant in TPO causing Deficiency Of Iodide Peroxidase (9.6e-05 vs 0.0071), allowing no conclusion about variant significance. c.2017G>A has been reported in the literature in heterozygous state in individuals affected with congenital hypothyroidism (examples: Makretskaya_2018, Yamaguchi_2022, Wang_2022). These report(s) do not provide unequivocal conclusions about association of the variant with Deficiency Of Iodide Peroxidase. To our knowledge, no experimental evidence demonstrating an impact on protein function has been reported. The following publications have been ascertained in the context of this evaluation (PMID: 30240412, 35002963, 32459320). No submitters have cited clinical-significance assessments for this variant to ClinVar. Based on the evidence outlined above, the variant was classified as uncertain significance.

3billion
Classification: Uncertain significance for Deficiency of iodide peroxidase. Last evaluated: 2023-07-30. Review status: criteria provided, single submitter. Criteria: ACMG Guidelines, 2015. Collection method: clinical testing. Allele origin: germline. Affected: yes.
Comment: The variant is observed at an extremely low frequency in the gnomAD v2.1.1 dataset (total allele frequency: 0.010%). Predicted Consequence/Location: Missense variant In silico tool predictions suggest damaging effect of the variant on gene or gene product (REVEL: 0.74; 3Cnet: 0.94). Therefore, this variant is classified as VUS according to the recommendation of ACMG/AMP guideline.

Literature cited by the submitters: PubMed 30240412 (cited by Women's Health and Genetics/Laboratory Corporation of America, LabCorp); PubMed 35002963 (cited by Women's Health and Genetics/Laboratory Corporation of America, LabCorp); PubMed 32459320 (cited by Women's Health and Genetics/Laboratory Corporation of America, LabCorp).